The following is an entry in ClinVar:

NM_005422.4(TECTA):c.4280G>A (p.Cys1427Tyr)

Genes: TBCEL-TECTA (TBCEL-TECTA readthrough; plus strand), TECTA (tectorin alpha; plus strand). Cytogenetic location: 11q23.3.
Variant type: single nucleotide variant.
Coding change: c.4280G>A on transcript NM_005422.4 (MANE Select); coding-DNA position 4280, G replaced by A.
Protein change: p.Cys1427Tyr; replaces cysteine 1427 with tyrosine.
Molecular consequence: missense variant.
Genome position (GRCh38, 1-based): chr11:121,153,055, G>A. VCF-style: chr11-121153055-G-A. GRCh37 (hg19) VCF-style: chr11-121023764-G-A.
Other names: c.5237G>A, p.Cys1746Tyr (NM_001378761.1); short protein forms C1427Y, C1746Y.
Identifiers: ClinVar variation 3375517 (VCV003375517.1).

ClinVar aggregate classification (germline): Uncertain significance (1 of 4 stars; one submission).

gnomAD v4.1: 2 of 1,614,000 alleles (0.00012%); highest among the groups gnomAD compares: African/African-American, 0.0013%; no homozygotes.

Submission:

GeneDx
Classification: Uncertain significance. Last evaluated: 2024-05-08. Review status: criteria provided, single submitter. Criteria: GeneDx Variant Classification Process June 2021. Collection method: clinical testing. Allele origin: germline. Affected: yes.
Comment: Not observed at significant frequency in large population cohorts (gnomAD); In silico analysis supports that this missense variant has a deleterious effect on protein structure/function; Has not been previously published as pathogenic or benign to our knowledge; This variant is associated with the following publications: (PMID: 21520338, 31554319, 9590290)